The following is an entry in ClinVar:

NM_001289125.3(IFNAR2):c.1092C>T (p.Ser364=)

Genes: IFNAR2 (interferon alpha and beta receptor subunit 2; plus strand), IFNAR2-IL10RB (IFNAR2-IL10RB readthrough; plus strand). Cytogenetic location: 21q22.11.
Variant type: single nucleotide variant.
Coding change: c.1092C>T on transcript NM_001289125.3 (MANE Select); coding-DNA position 1092, C replaced by T.
Protein change: p.Ser364=; no amino-acid change (serine 364 retained).
Molecular consequence: synonymous variant. On other transcripts: 3 prime UTR variant (5).
Genome position (GRCh38, 1-based): chr21:33,263,044, C>T. VCF-style: chr21-33263044-C-T. GRCh37 (hg19) VCF-style: chr21-34635349-C-T.
Other names: p.Ser364=; c.1092C>T, p.Ser364= (NM_207585.3, NM_001385055.1); c.*328C>T (NM_000874.5, NM_207584.3); c.*241C>T (NM_001289126.2, NM_001289128.2); c.*467C>T (NM_001385054.1); c.1092C>T (NM_207585.2).
Identifiers: ClinVar variation 1165291 (VCV001165291.13), dbSNP rs117810077, ClinGen allele CA10005912.
Genomic context (GRCh38, chr21:33,263,044, plus strand): 5'-CAGGCCTCTGGGTCAGGCCTCTGCCACCTCTACAGAATCCCAGTTGATAGACCCGGAGTC[C>T]GAGGAGGAGCCTGACCTGCCTGAGGTTGATGTGGAGCTCCCCACGATGCCAAAGGACAGC-3'
Protein context (NP_001276054.1, residues 354-374): STESQLIDPE[Ser364=]EEEPDLPEVD

ClinVar aggregate classification (germline): Benign. Review status: criteria provided, multiple submitters, no conflicts (2 of 4 stars). 4 submissions from 4 submitters: Benign (3). 1 of the submissions does not count toward it. Last evaluated 2026-01-30.

Conditions:
IFNAR2-related disorder. Also called: IFNAR2-related condition.

Allele frequency attached by ClinVar (database versions not stated): gnomAD 0.00250 and 0.00218; ExAC 0.00416; 1000 Genomes Project 0.00639; ESP Exome Variant Server 0.00023; TOPMed 0.00386; gnomAD exomes 0.00487 and 0.00137; 1000 Genomes Project 30x 0.00718.
gnomAD v4.1: 2,373 of 1,614,146 alleles (0.15%); highest among the groups gnomAD compares: Admixed American, 2.1%; 17 homozygotes.

Submissions (4):

Labcorp Genetics (formerly Invitae), Labcorp
Classification: Benign. Last evaluated: 2026-01-30. Review status: criteria provided, single submitter. Criteria: Invitae Variant Classification Sherloc (09022015). Collection method: clinical testing. Allele origin: germline.

Mayo Clinic Laboratories, Mayo Clinic
Classification: Benign. Last evaluated: 2024-02-06. Review status: criteria provided, single submitter. Criteria: ACMG Guidelines, 2015. Collection method: clinical testing. Allele origin: germline. Observed: 4 variant alleles.
Comment: BS1, BS2, BP4, BP7

Breakthrough Genomics
Classification: Benign. Review status: criteria provided, single submitter. Criteria: ACMG Guidelines, 2015. Collection method: not provided. Allele origin: germline. Inheritance: Autosomal recessive inheritance. Affected: yes.

PreventionGenetics, part of Exact Sciences
Classification: Benign for IFNAR2-related condition. Last evaluated: 2019-06-27. Review status: no assertion criteria provided. Collection method: clinical testing. Allele origin: germline. Not counted in ClinVar's aggregate classification.
Comment: This variant is classified as benign based on ACMG/AMP sequence variant interpretation guidelines (Richards et al. 2015 PMID: 25741868, with internal and published modifications).